The following is an entry in ClinVar:

NM_001267550.2(TTN):c.32254G>T (p.Val10752Phe)

Gene: TTN (titin; minus strand). Cytogenetic location: 2q31.2.
Variant type: single nucleotide variant.
Coding change: c.32254G>T on transcript NM_001267550.2 (MANE Select); coding-DNA position 32254, G replaced by T.
Protein change: p.Val10752Phe; replaces valine 10752 with phenylalanine.
Molecular consequence: missense variant. On other transcripts: intron variant (3).
Genome position (GRCh38, 1-based): chr2:178,688,168, C>A on the plus strand (G>T on the coding strand, the complement: TTN is on the minus strand). VCF-style: chr2-178688168-C-A. GRCh37 (hg19) VCF-style: chr2-179552895-C-A.
Other names: p.V10435F:GTT>TTT; c.31303G>T, p.Val10435Phe (NM_001256850.1); c.28522G>T, p.Val9508Phe (NM_133378.4); c.13283-45851G>T (NM_003319.4); c.13859-45851G>T (NM_133437.4); c.13658-45851G>T (NM_133432.3); short protein forms V10435F, V10752F, V9508F.
Identifiers: ClinVar variation 202571 (VCV000202571.2), dbSNP rs72650028, ClinGen allele CA309623.
Genomic context (GRCh38, chr2:178,688,168, plus strand): 5'-TACCTTCATATTCTGTAACCTCTGCTTCTTCCTCCTCCTCTCTTTCTTCTTCTCTATAAA[C>A]TGAAATGGACACACCTTCCTCCTCTTCTGAGTAACTCCATTCCTCCTCTGCAGATACTTT-3'
Protein context (NP_001254479.2, residues 10742-10762): SEEEEGVSIS[Val10752Phe]YREEEREEEE

ClinVar aggregate classification (germline): Uncertain significance (1 of 4 stars; one submission).

Submission:

GeneDx
Classification: Uncertain significance. Last evaluated: 2017-01-06. Review status: criteria provided, single submitter. Criteria: GeneDx Variant Classification (06012015). Collection method: clinical testing. Allele origin: germline. Affected: yes.
Comment: Missense variants in the TTN gene are considered 'unclassified' if they are not previously reported in the literature and do not have >1% frequency in the population to be considered a polymorphism. Research indicates that truncating mutations in the TTN gene are expected to account for approximately 25% of familial and 18% of sporadic idiopathic DCM; however, truncating variants in the TTN gene have been reported in approximately 3% of reported control alleles. There has been little investigation into non-truncating variants. (Herman D et al. Truncations of titin causing dilated cardiomyopathy. N Eng J Med 366:619-628, 2012) The variant is found in DCM-CRDM panel(s).